The following is an entry in ClinVar:

NM_001987.5(ETV6):c.244A>G (p.Ile82Val)

Genes: ETV6 (ETS variant transcription factor 6; plus strand), LOC126861451 (BRD4-independent group 4 enhancer GRCh37_chr12:11991350-11992549; plus strand). Cytogenetic location: 12p13.2.
Variant type: single nucleotide variant.
Coding change: c.244A>G on transcript NM_001987.5 (MANE Select); coding-DNA position 244, A replaced by G.
Protein change: p.Ile82Val; replaces isoleucine 82 with valine.
Molecular consequence: missense variant. On other transcripts: 5 prime UTR variant (1).
Genome position (GRCh38, 1-based): chr12:11,839,220, A>G. VCF-style: chr12-11839220-A-G. GRCh37 (hg19) VCF-style: chr12-11992154-A-G.
Other names: c.241A>G, p.Ile81Val (NM_001413913.1); c.217A>G, p.Ile73Val (NM_001413914.1); c.-21A>G (NM_001413915.1); c.244A>G, p.Ile82Val (NM_001413916.1, NM_001413917.1, NM_001413918.1); short protein forms I73V, I81V, I82V.
Identifiers: ClinVar variation 2505926 (VCV002505926.2), dbSNP rs202244621, ClinGen allele CA232592447.

ClinVar aggregate classification (germline): Uncertain significance. Review status: criteria provided, multiple submitters, no conflicts (2 of 4 stars). 2 submissions from 2 submitters: Uncertain significance (2). Last evaluated 2025-03-07.

Conditions:
Inborn genetic diseases. Identifiers: MedGen C0950123, MeSH D030342.

Allele frequency attached by ClinVar (database versions not stated): 1000 Genomes Project 30x 0.00016.
gnomAD v4.1: 3 of 1,614,264 alleles (0.00019%); highest among the groups gnomAD compares: Non-Finnish European, 0.00025%; no homozygotes.

Submissions (2):

Ambry Genetics
Classification: Uncertain significance for Inborn genetic diseases. Last evaluated: 2025-03-07. Review status: criteria provided, single submitter. Criteria: Ambry Variant Classification Scheme 2023. Collection method: clinical testing. Allele origin: germline.
Comment: The p.I82V variant (also known as c.244A>G), located in coding exon 3 of the ETV6 gene, results from an A to G substitution at nucleotide position 244. The isoleucine at codon 82 is replaced by valine, an amino acid with highly similar properties. This amino acid position is conserved. In addition, this alteration is predicted to be tolerated by in silico analysis. Based on the available evidence, the clinical significance of this variant remains unclear.

GeneDx
Classification: Uncertain significance. Last evaluated: 2022-12-13. Review status: criteria provided, single submitter. Criteria: GeneDx Variant Classification Process June 2021. Collection method: clinical testing. Allele origin: germline. Affected: yes.
Comment: Not observed at significant frequency in large population cohorts (gnomAD); In silico analysis supports that this missense variant does not alter protein structure/function; Has not been previously published as pathogenic or benign to our knowledge; This variant is associated with the following publications: (PMID: 28555414, 28637624)